The following is an entry in ClinVar:

ClinVar aggregate classification (germline): Uncertain significance (1 of 4 stars; one submission).

Submission:

GeneDx
Classification: Uncertain significance. Last evaluated: 2025-06-11. Review status: criteria provided, single submitter. Criteria: GeneDx Variant Classification Process June 2021. Collection method: clinical testing. Allele origin: germline. Affected: yes.
Comment: Not observed at significant frequency in large population cohorts (gnomAD); In silico analysis supports that this missense variant has a deleterious effect on protein structure/function; Has not been previously published as pathogenic or benign to our knowledge

NM_015981.4(CAMK2A):c.677A>C (p.Lys226Thr)

Gene: CAMK2A (calcium/calmodulin dependent protein kinase II alpha; minus strand). Cytogenetic location: 5q32.
Variant type: single nucleotide variant.
Coding change: c.677A>C on transcript NM_015981.4 (MANE Select); coding-DNA position 677, A replaced by C.
Protein change: p.Lys226Thr; replaces lysine 226 with threonine.
Molecular consequence: missense variant.
Genome position (GRCh38, 1-based): chr5:150,251,766, T>G on the plus strand (A>C on the coding strand, the complement: CAMK2A is on the minus strand). VCF-style: chr5-150251766-T-G. GRCh37 (hg19) VCF-style: chr5-149631329-T-G.
Other names: c.677A>C, p.Lys226Thr (NM_001363989.1, NM_001363990.1, NM_001369025.2 and 1 more transcripts); short protein forms K226T.
Identifiers: ClinVar variation 4538043 (VCV004538043.1).